The following is an entry in ClinVar:

NM_001365276.2(TNXB):c.8761G>A (p.Val2921Met)

Gene: TNXB (tenascin XB; minus strand). Cytogenetic location: 6p21.33.
Variant type: single nucleotide variant.
Coding change: c.8761G>A on transcript NM_001365276.2 (MANE Select); coding-DNA position 8761, G replaced by A.
Protein change: p.Val2921Met; replaces valine 2921 with methionine.
Molecular consequence: missense variant.
Genome position (GRCh38, 1-based): chr6:32,053,418, C>T on the plus strand (G>A on the coding strand, the complement: TNXB is on the minus strand). VCF-style: chr6-32053418-C-T. GRCh37 (hg19) VCF-style: chr6-32021195-C-T.
Other names: c.8755G>A, p.Val2919Met (NM_019105.8); short protein forms V2919M, V2921M.
Identifiers: ClinVar variation 827991 (VCV000827991.52), dbSNP rs529485424, ClinGen allele CA3733754.
Genomic context (GRCh38, chr6:32,053,418, plus strand): 5'-CCCACTCTGGGGCTCCCATCGTACACTCACCTGTCACCCCAATGACAGAGATGGGGCCCA[C>T]GCGCTGGCCACCGTGGAAGCCGTACAGGTTCATCTTGTACTTGTGGTCTGGCTCCAGGCC-3'
Protein context (NP_001352205.1, residues 2911-2931): NLYGFHGGQR[Val2921Met]GPISVIGVTA

ClinVar aggregate classification (germline): Conflicting classifications of pathogenicity. Review status: criteria provided, conflicting classifications (1 of 4 stars). 9 submissions from 9 submitters: Uncertain significance (5); Likely benign (3). 1 of the submissions does not count toward it. Last evaluated 2026-02-24.

Conditions:
TNXB-related disorder. Also called: TNXB-related condition.
Ehlers-Danlos syndrome due to tenascin-X deficiency (EDSCLL1). Also called: TNX DEFICIENCY; EDS DUE TO TNX DEFICIENCY; EHLERS-DANLOS SYNDROME, CLASSIC-LIKE; Ehlers-Danlos syndrome, classic-like, 1; TNXB-Related Classical-Like Ehlers-Danlos Syndrome. Identifiers: Orphanet 230839, MedGen C1848029, MONDO:0011670, OMIM 606408.
Vesicoureteral reflux 8 (VUR8). Identifiers: Orphanet 289365, MedGen C4014831, MONDO:0014422, OMIM 615963.
Cardiovascular phenotype. Identifiers: MedGen CN230736.

Allele frequency attached by ClinVar (database versions not stated): gnomAD 0.00013 and 0.00015; TOPMed 0.00031; 1000 Genomes Project 0.00060; 1000 Genomes Project 30x 0.00062.
gnomAD v4.1: 192 of 1,612,888 alleles (0.012%); highest among the groups gnomAD compares: East Asian, 0.25%; 1 homozygote.

Submissions (9):

Women's Health and Genetics/Laboratory Corporation of America, LabCorp
Classification: Likely benign. Last evaluated: 2026-02-24. Review status: criteria provided, single submitter. Criteria: LabCorp Variant Classification Summary - May 2015. Collection method: clinical testing. Allele origin: germline.
Comment: Variant summary: TNXB c.8755G>A (p.Val2919Met) results in a conservative amino acid change in the encoded protein sequence. Algorithms developed to predict the effect of missense changes on protein structure and function all suggest that this variant is likely to be tolerated. The variant allele was found at a frequency of 0.0003 in 244994 control chromosomes, predominantly at a frequency of 0.003 within the East Asian subpopulation in the gnomAD database. The observed variant frequency within East Asian control individuals in the gnomAD database exceeds the estimated maximal expected allele frequency for disease-causing variants in TNXB. To our knowledge, no occurrence of c.8755G>A in individuals affected with TNXB-related conditions and no experimental evidence demonstrating its impact on protein function have been reported. ClinVar contains an entry for this variant (Variation ID: 827991). Based on the evidence outlined above, the variant was classified as likely benign.

Labcorp Genetics (formerly Invitae), Labcorp
Classification: Likely benign. Last evaluated: 2026-01-25. Review status: criteria provided, single submitter. Criteria: Invitae Variant Classification Sherloc (09022015). Collection method: clinical testing. Allele origin: germline.

Ambry Genetics
Classification: Uncertain significance for Cardiovascular phenotype. Last evaluated: 2025-05-10. Review status: criteria provided, single submitter. Criteria: Ambry Variant Classification Scheme 2023. Collection method: clinical testing. Allele origin: germline.
Comment: The p.V2919M variant (also known as c.8755G>A), located in coding exon 24 of the TNXB gene, results from a G to A substitution at nucleotide position 8755. The valine at codon 2919 is replaced by methionine, an amino acid with highly similar properties. This amino acid position is not well conserved in available vertebrate species, and methionine is the reference amino acid in other vertebrate species. In addition, this alteration is predicted to be tolerated by in silico analysis. Since supporting evidence is limited at this time, the clinical significance of this alteration remains unclear.

Blueprint Genetics
Classification: Uncertain significance. Last evaluated: 2024-11-05. Review status: criteria provided, single submitter. Criteria: ACMG Guidelines, 2015. Collection method: clinical testing. Allele origin: germline.

GeneDx
Classification: Likely benign. Last evaluated: 2021-04-08. Review status: criteria provided, single submitter. Criteria: GeneDx Variant Classification Process June 2021. Collection method: clinical testing. Allele origin: germline. Affected: yes.
Comment: Has not been previously published as pathogenic or benign to our knowledge; In silico analysis, which includes protein predictors and evolutionary conservation, supports that this variant does not alter protein structure/function

CeGaT Center for Human Genetics Tuebingen
Classification: Uncertain significance. Last evaluated: 2020-12-01. Review status: criteria provided, single submitter. Criteria: CeGaT Center For Human Genetics Tuebingen Variant Classification Criteria Version 2. Collection method: clinical testing. Allele origin: germline. Affected: yes. Observed: 1 variant allele.

Baylor Genetics
Classification: Uncertain significance for Vesicoureteral reflux 8. Last evaluated: 2019-07-03. Review status: criteria provided, single submitter. Criteria: ACMG Guidelines, 2015. Collection method: clinical testing. Allele origin: maternal. Affected: yes.
Comment: This variant was determined to be of uncertain significance according to ACMG Guidelines, 2015 [PMID:25741868].

Center for Genomics, Ann and Robert H. Lurie Children's Hospital of Chicago
Classification: Uncertain significance for Ehlers-Danlos syndrome due to tenascin-X deficiency; Vesicoureteral reflux 8. Review status: criteria provided, single submitter. Criteria: ACMG Guidelines, 2015. Collection method: clinical testing. Allele origin: germline.
Comment: TNXB NM_019105.7 exon 25 p.Val2919Met (c.8755G>A): This variant has not been reported in the literature and is present in 0.3% (62/19458) of East Asian alleles in the Genome Aggregation Database. This variant amino acid Methionine (Met) is present in several species including the orangutan, baboon, and other mammals, and it is not well conserved among evolutionarily distant species; this suggests that this variant may not impact the protein. Additional computational prediction tools do not suggest an impact. In summary, data on this variant is insufficient for disease classification. Therefore, the clinical significance of this variant is uncertain.

PreventionGenetics, part of Exact Sciences
Classification: Likely benign for TNXB-related condition. Last evaluated: 2022-08-06. Review status: no assertion criteria provided. Collection method: clinical testing. Allele origin: germline. Not counted in ClinVar's aggregate classification.
Comment: This variant is classified as likely benign based on ACMG/AMP sequence variant interpretation guidelines (Richards et al. 2015 PMID: 25741868, with internal and published modifications).